The following is an entry in ClinVar:

NM_032482.3(DOT1L):c.1096G>A (p.Gly366Ser)

Gene: DOT1L (DOT1 like histone lysine methyltransferase; plus strand). Cytogenetic location: 19p13.3.
Variant type: single nucleotide variant.
Coding change: c.1096G>A on transcript NM_032482.3 (MANE Select); coding-DNA position 1096, G replaced by A.
Protein change: p.Gly366Ser; replaces glycine 366 with serine.
Molecular consequence: missense variant.
Genome position (GRCh38, 1-based): chr19:2,210,490, G>A. VCF-style: chr19-2210490-G-A. GRCh37 (hg19) VCF-style: chr19-2210489-G-A.
Other names: c.1096G>A, p.Gly366Ser (NM_001411141.1); short protein forms G366S.
Identifiers: ClinVar variation 2509574 (VCV002509574.7), dbSNP rs1400104618, ClinGen allele CA403205189.

ClinVar aggregate classification (germline): Conflicting classifications of pathogenicity. Review status: criteria provided, conflicting classifications (1 of 4 stars). 2 submissions from 2 submitters: Uncertain significance (1); Likely benign (1). Last evaluated 2025-12-01.

Conditions:
Inborn genetic diseases. Identifiers: MedGen C0950123, MeSH D030342.

gnomAD v4.1: 7 of 1,593,958 alleles (0.00044%); highest among the groups gnomAD compares: Admixed American, 0.0017%; no homozygotes.

Submissions (2):

CeGaT Center for Human Genetics Tuebingen
Classification: Likely benign. Last evaluated: 2025-12-01. Review status: criteria provided, single submitter. Criteria: CeGaT Center For Human Genetics Tuebingen Variant Classification Criteria Version 2. Collection method: clinical testing. Allele origin: germline. Affected: yes. Observed: 1 variant allele.
Comment: DOT1L: BP4

Ambry Genetics
Classification: Uncertain significance for Inborn genetic diseases. Last evaluated: 2023-04-18. Review status: criteria provided, single submitter. Criteria: Ambry Variant Classification Scheme 2023. Collection method: clinical testing. Allele origin: germline.